The following is an entry in ClinVar:

NM_001384609.1(SLITRK5):c.1588C>T (p.Leu530Phe)

Gene: SLITRK5 (SLIT and NTRK like family member 5; plus strand). Cytogenetic location: 13q31.2.
Variant type: single nucleotide variant.
Coding change: c.1588C>T on transcript NM_001384609.1 (MANE Select); coding-DNA position 1588, C replaced by T.
Protein change: p.Leu530Phe; replaces leucine 530 with phenylalanine.
Molecular consequence: missense variant.
Genome position (GRCh38, 1-based): chr13:87,676,976, C>T. VCF-style: chr13-87676976-C-T. GRCh37 (hg19) VCF-style: chr13-88329231-C-T.
Other names: c.1588C>T, p.Leu530Phe (NM_001384610.1, NM_015567.2); short protein forms L530F.
Identifiers: ClinVar variation 3958245 (VCV003958245.2).
Genomic context (GRCh38, chr13:87,676,976, plus strand): 5'-CTATTCTTGAATAACAACCTCCTGCAGGCCATGCCCTCAGGCGTCTTCTCTGGCTTGACC[C>T]TCCTCAGGCTAAACCTGAGGAGTAACCACTTCACCTCCTTGCCAGTGAGTGGAGTTTTGG-3'
Protein context (NP_001371538.1, residues 520-540): MPSGVFSGLT[Leu530Phe]LRLNLRSNHF

ClinVar aggregate classification (germline): Uncertain significance. Review status: criteria provided, multiple submitters, no conflicts (2 of 4 stars). 2 submissions from 2 submitters: Uncertain significance (2). Last evaluated 2026-09-11.

Conditions:
SLITRK5-related disorder. Also called: SLITRK5-related condition.

gnomAD v4.1: 5 of 1,614,060 alleles (0.00031%); highest among the groups gnomAD compares: African/African-American, 0.0013%; no homozygotes.

Submissions (2):

PreventionGenetics, part of Exact Sciences
Classification: Uncertain significance for SLITRK5-related condition. Last evaluated: 2026-09-11. Review status: criteria provided, single submitter. Criteria: ACMG Guidelines, 2015. Collection method: clinical testing. Allele origin: germline.
Comment: The SLITRK5 c.1588C>T variant is predicted to result in the amino acid substitution p.Leu530Phe. To our knowledge, this variant has not been reported in the literature. This variant is reported in 0.0062% of alleles in individuals of African descent in gnomAD. At this time, the clinical significance of this variant is uncertain due to the absence of conclusive functional and genetic evidence.

Ambry Genetics
Classification: Uncertain significance. Last evaluated: 2025-06-03. Review status: criteria provided, single submitter. Criteria: Ambry Variant Classification Scheme 2023. Collection method: clinical testing. Allele origin: germline.